The following is an entry in ClinVar:

ClinVar aggregate classification (germline): Uncertain significance (1 of 4 stars; one submission).

Conditions:
Familial cancer of breast. Also called: hereditary breast carcinoma; BREAST CANCER, FAMILIAL; Hereditary breast cancer. Identifiers: Orphanet 227535, MedGen C0346153, MONDO:0016419, OMIM 114480. Disease mechanism: loss of function.

Submission:

Labcorp Genetics (formerly Invitae), Labcorp
Classification: Uncertain significance for Familial cancer of breast. Last evaluated: 2024-12-24. Review status: criteria provided, single submitter. Criteria: Invitae Variant Classification Sherloc (09022015). Collection method: clinical testing. Allele origin: germline.
Comment: This sequence change replaces threonine, which is neutral and polar, with proline, which is neutral and non-polar, at codon 386 of the PALB2 protein (p.Thr386Pro). This variant is not present in population databases (gnomAD no frequency). This variant has not been reported in the literature in individuals affected with PALB2-related conditions. Invitae Evidence Modeling of protein sequence and biophysical properties (such as structural, functional, and spatial information, amino acid conservation, physicochemical variation, residue mobility, and thermodynamic stability) indicates that this missense variant is not expected to disrupt PALB2 protein function with a negative predictive value of 80%. In summary, the available evidence is currently insufficient to determine the role of this variant in disease. Therefore, it has been classified as a Variant of Uncertain Significance.

NM_024675.4(PALB2):c.1156A>C (p.Thr386Pro)

Gene: PALB2 (partner and localizer of BRCA2; minus strand). Cytogenetic location: 16p12.2.
Variant type: single nucleotide variant.
Coding change: c.1156A>C on transcript NM_024675.4 (MANE Select); coding-DNA position 1156, A replaced by C.
Protein change: p.Thr386Pro; replaces threonine 386 with proline.
Molecular consequence: missense variant. On other transcripts: intron variant (3).
Genome position (GRCh38, 1-based): chr16:23,635,390, T>G on the plus strand (A>C on the coding strand, the complement: PALB2 is on the minus strand). VCF-style: chr16-23635390-T-G. GRCh37 (hg19) VCF-style: chr16-23646711-T-G.
Other names: c.1096A>C, p.Thr366Pro (NM_001407296.1); c.1156A>C, p.Thr386Pro (NM_001407297.1, NM_001407298.1, NM_001407299.1 and 3 more transcripts); c.271A>C, p.Thr91Pro (NM_001407304.1, NM_001407305.1, NM_001407306.1 and 5 more transcripts); c.48+5720A>C (NM_001407314.1); c.-104-4921A>C (NM_001407313.1, NM_001407312.1); short protein forms T386P, T91P, T366P.
Identifiers: ClinVar variation 3689185 (VCV003689185.2).